The following is an entry in ClinVar:

NM_001364905.1(LRBA):c.7064A>G (p.Tyr2355Cys)

Gene: LRBA (LPS responsive beige-like anchor protein; minus strand). Cytogenetic location: 4q31.3.
Variant type: single nucleotide variant.
Coding change: c.7064A>G on transcript NM_001364905.1 (MANE Select); coding-DNA position 7064, A replaced by G.
Protein change: p.Tyr2355Cys; replaces tyrosine 2355 with cysteine.
Molecular consequence: missense variant.
Genome position (GRCh38, 1-based): chr4:150,415,568, T>C on the plus strand (A>G on the coding strand, the complement: LRBA is on the minus strand). VCF-style: chr4-150415568-T-C. GRCh37 (hg19) VCF-style: chr4-151336720-T-C.
Other names: c.7064A>G, p.Tyr2355Cys (NM_001199282.3, NM_001367550.1); c.7097A>G, p.Tyr2366Cys (NM_006726.5); short protein forms Y2355C, Y2366C.
Identifiers: ClinVar variation 2047005 (VCV002047005.4), dbSNP rs2546237370, ClinGen allele CA358604629.
Genomic context (GRCh38, chr4:150,415,568, plus strand): 5'-GTCCCATCATCCATCACTCCAAGATTATAATTATTGAAGTTGACAAACATCTCAGGGAGA[T>C]AATAAAATTCAGGGATCAACTCCTATATAAAAATAAAAGACAATGTGATATTATAAACTG-3'
Protein context (NP_001351834.1, residues 2345-2365): DIKELIPEFY[Tyr2355Cys]LPEMFVNFNN

ClinVar aggregate classification (germline): Uncertain significance (1 of 4 stars; one submission).

Conditions:
Combined immunodeficiency due to LRBA deficiency. Also called: Common variable immunodeficiency 8, with autoimmunity. Identifiers: Orphanet 445018, MedGen C3553512, MONDO:0013863, OMIM 614700.

Submission:

Labcorp Genetics (formerly Invitae), Labcorp
Classification: Uncertain significance for Combined immunodeficiency due to LRBA deficiency. Last evaluated: 2022-06-10. Review status: criteria provided, single submitter. Criteria: Invitae Variant Classification Sherloc (09022015). Collection method: clinical testing. Allele origin: germline.
Comment: This sequence change replaces tyrosine, which is neutral and polar, with cysteine, which is neutral and slightly polar, at codon 2366 of the LRBA protein (p.Tyr2366Cys). This variant is not present in population databases (gnomAD no frequency). This variant has not been reported in the literature in individuals affected with LRBA-related conditions. Algorithms developed to predict the effect of missense changes on protein structure and function are either unavailable or do not agree on the potential impact of this missense change (SIFT: "Deleterious"; PolyPhen-2: "Probably Damaging"; Align-GVGD: "Class C0"). In summary, the available evidence is currently insufficient to determine the role of this variant in disease. Therefore, it has been classified as a Variant of Uncertain Significance.